The following is an entry in ClinVar:

ClinVar aggregate classification (germline): Uncertain significance (1 of 4 stars; one submission).

Allele frequency attached by ClinVar (database versions not stated): ExAC 0.00002; gnomAD 0.00002; TOPMed 0.00002; ESP Exome Variant Server 0.00008.
gnomAD v4.1: 45 of 1,614,126 alleles (0.0028%); highest among the groups gnomAD compares: South Asian, 0.0077%; no homozygotes.

Submission:

Labcorp Genetics (formerly Invitae), Labcorp
Classification: Uncertain significance. Last evaluated: 2022-10-07. Review status: criteria provided, single submitter. Criteria: Invitae Variant Classification Sherloc (09022015). Collection method: clinical testing. Allele origin: germline.
Comment: In summary, the available evidence is currently insufficient to determine the role of this variant in disease. Therefore, it has been classified as a Variant of Uncertain Significance. Algorithms developed to predict the effect of missense changes on protein structure and function output the following: SIFT: "Tolerated"; PolyPhen-2: "Benign"; Align-GVGD: "Class C0". The asparagine amino acid residue is found in multiple mammalian species, which suggests that this missense change does not adversely affect protein function. This variant has not been reported in the literature in individuals affected with MMP9-related conditions. This variant is present in population databases (rs151173908, gnomAD 0.006%). This sequence change replaces serine, which is neutral and polar, with asparagine, which is neutral and polar, at codon 686 of the MMP9 protein (p.Ser686Asn).

NM_004994.3(MMP9):c.2057G>A (p.Ser686Asn)

Genes: MMP9 (matrix metallopeptidase 9; plus strand), SLC12A5-AS1 (SLC12A5 and MMP9 antisense RNA 1; minus strand). Cytogenetic location: 20q13.12.
Variant type: single nucleotide variant.
Coding change: c.2057G>A on transcript NM_004994.3 (MANE Select); coding-DNA position 2057, G replaced by A.
Protein change: p.Ser686Asn; replaces serine 686 with asparagine.
Molecular consequence: missense variant.
Genome position (GRCh38, 1-based): chr20:46,016,301, G>A. VCF-style: chr20-46016301-G-A. GRCh37 (hg19) VCF-style: chr20-44644940-G-A.
Other names: short protein forms S686N.
Identifiers: ClinVar variation 1908793 (VCV001908793.5), dbSNP rs151173908, ClinGen allele CA9886889.
Genomic context (GRCh38, chr20:46,016,301, plus strand): 5'-CTCCTGCAGAGAAAGCCTATTTCTGCCAGGACCGCTTCTACTGGCGCGTGAGTTCCCGGA[G>A]TGAGTTGAACCAGGTGGACCAAGTGGGCTACGTGACCTATGACATCCTGCAGTGCCCTGA-3'
Protein context (NP_004985.2, residues 676-696): DRFYWRVSSR[Ser686Asn]ELNQVDQVGY